The following is an entry in ClinVar:

NM_002473.6(MYH9):c.3193G>T (p.Ala1065Ser)

Gene: MYH9 (myosin heavy chain 9; minus strand). Cytogenetic location: 22q12.3.
Variant type: single nucleotide variant.
Coding change: c.3193G>T on transcript NM_002473.6 (MANE Select); coding-DNA position 3193, G replaced by T.
Protein change: p.Ala1065Ser; replaces alanine 1065 with serine.
Molecular consequence: missense variant.
Genome position (GRCh38, 1-based): chr22:36,296,922, C>A on the plus strand (G>T on the coding strand, the complement: MYH9 is on the minus strand). VCF-style: chr22-36296922-C-A. GRCh37 (hg19) VCF-style: chr22-36692968-C-A.
Other names: short protein forms A1065S.
Identifiers: ClinVar variation 2444030 (VCV002444030.1), dbSNP rs1423642805, ClinGen allele CA411389479.

ClinVar aggregate classification (germline): Uncertain significance (1 of 4 stars; one submission).

Conditions:
Macrothrombocytopenia and granulocyte inclusions with or without nephritis or sensorineural hearing loss (MATINS). Also called: BLEEDING DISORDER, PLATELET-TYPE, 6; MACROTHROMBOCYTOPENIA WITH LEUKOCYTE INCLUSIONS; SEBASTIAN PLATELET SYNDROME; MACROTHROMBOCYTOPENIA WITH DISPERSED LEUKOCYTIC INCLUSIONS; MACROTHROMBOCYTOPENIA, NEPHRITIS, AND DEAFNESS; MACROTHROMBOCYTOPENIA, NEPHRITIS, DEAFNESS, AND LEUKOCYTE INCLUSIONS. Identifiers: Orphanet 182050, MedGen C5200934, MONDO:0015912, OMIM 155100.

Submission:

3billion
Classification: Uncertain significance for Macrothrombocytopenia and granulocyte inclusions with or without nephritis or sensorineural hearing loss. Last evaluated: 2023-02-23. Review status: criteria provided, single submitter. Criteria: ACMG Guidelines, 2015. Collection method: clinical testing. Allele origin: unknown. Affected: yes.
Comment: The variant is not observed in the gnomAD v2.1.1 dataset. The variant is located in a mutational hot spot and/or well-established functional domain in which established pathogenic variants have been reported (PMID: 29679756). Therefore, this variant is classified as VUS according to the recommendation of ACMG/AMP guideline.

Literature cited by the submitters: PubMed 29679756.